The following is an entry in ClinVar:

ClinVar aggregate classification (germline): Uncertain significance (1 of 4 stars; one submission).

Conditions:
Dilated cardiomyopathy 1AA (CMD1AA). Also called: Cardiomyopathy, dilated, 1AA, with or without LVNC; CARDIOMYOPATHY, DILATED, 1AA, WITH OR WITHOUT LEFT VENTRICULAR NONCOMPACTION; CARDIOMYOPATHY, FAMILIAL HYPERTROPHIC, 23, WITH OR WITHOUT LEFT VENTRICULAR NONCOMPACTION. Identifiers: Orphanet 154, MedGen C2677338, MONDO:0012808, OMIM 612158.

Allele frequency attached by ClinVar (database versions not stated): gnomAD exomes below 0.00001; TOPMed below 0.00001.
gnomAD v4.1: 1 of 1,614,204 alleles (0.000062%); highest among the groups gnomAD compares: Non-Finnish European, 0.000085%; no homozygotes.

Submission:

Victorian Clinical Genetics Services, Murdoch Childrens Research Institute
Classification: Uncertain significance for Dilated cardiomyopathy 1AA. Last evaluated: 2023-07-17. Review status: criteria provided, single submitter. Criteria: ACMG Guidelines, 2015. Collection method: clinical testing. Allele origin: germline. Inheritance: Autosomal dominant inheritance. Affected: yes.
Comment: Based on the classification scheme VCGS_Germline_v1.3.4, this variant is classified as VUS-3C. Following criteria are met: 0102 - Loss of function is a known mechanism of disease in this gene and is associated with ACTN2-related diseases (OMIM). Dominant negative has also been suggested (PMID: 34802252). (I) 0107 - This gene is associated with autosomal dominant disease. (I) 0200 - Variant is predicted to result in a missense amino acid change from aspartic acid to glycine. (I) 0251 - This variant is heterozygous. (I) 0301 - Variant is absent from gnomAD (both v2 and v3). (SP) 0309 - An alternative amino acid change at the same position has been observed in gnomAD (v2) (1 heterozygote, 0 homozygotes). (I) 0502 - Missense variant with conflicting in silico predictions and high conservation. (I) 0600 - Variant is located in the annotated spectrin domain (DECIPHER). (I) 0705 - No comparable missense variants have previous evidence for pathogenicity. (I) 0807 - This variant has no previous evidence of pathogenicity. (I) 0905 - No published segregation evidence has been identified for this variant. (I) 1007 - No published functional evidence has been identified for this variant. (I) 1208 - Inheritance information for this variant is not currently available in this individual. (I) Legend: (SP) - Supporting pathogenic, (I) - Information, (SB) - Supporting benign

Literature cited by the submitters: PubMed 34802252.

NM_001103.4(ACTN2):c.1622A>G (p.Asp541Gly)

Gene: ACTN2 (actinin alpha 2; plus strand). Cytogenetic location: 1q43.
Variant type: single nucleotide variant.
Coding change: c.1622A>G on transcript NM_001103.4 (MANE Select); coding-DNA position 1622, A replaced by G.
Protein change: p.Asp541Gly; replaces aspartic acid 541 with glycine.
Molecular consequence: missense variant. On other transcripts: non-coding transcript variant (1).
Genome position (GRCh38, 1-based): chr1:236,749,230, A>G. VCF-style: chr1-236749230-A-G. GRCh37 (hg19) VCF-style: chr1-236912530-A-G.
Other names: c.1622A>G, p.Asp541Gly (NM_001278343.2); short protein forms D541G.
Identifiers: ClinVar variation 3254579 (VCV003254579.1), dbSNP rs1659324558.